The following is an entry in ClinVar:

NM_018972.4(GDAP1):c.292G>A (p.Glu98Lys)

Gene: GDAP1 (ganglioside induced differentiation associated protein 1; plus strand). Cytogenetic location: 8q21.11.
Variant type: single nucleotide variant.
Coding change: c.292G>A on transcript NM_018972.4 (MANE Select); coding-DNA position 292, G replaced by A.
Protein change: p.Glu98Lys; replaces glutamic acid 98 with lysine.
Molecular consequence: missense variant. On other transcripts: intron variant (2).
Genome position (GRCh38, 1-based): chr8:74,351,448, G>A. VCF-style: chr8-74351448-G-A. GRCh37 (hg19) VCF-style: chr8-75263683-G-A.
Other names: c.88G>A, p.Glu30Lys (NM_001040875.4); c.292G>A, p.Glu98Lys (NM_001362930.2, NM_001362931.2); c.-18+127G>A (NM_001362929.2); c.-18+870G>A (NM_001362932.2); short protein forms E30K, E98K.
Identifiers: ClinVar variation 3626339 (VCV003626339.2).

ClinVar aggregate classification (germline): Uncertain significance (1 of 4 stars; one submission).

Conditions:
Charcot-Marie-Tooth disease type 4A. Also called: Charcot-Marie-Tooth disease, demyelinating, autosomal recessive, type 4a. Identifiers: Orphanet 99948, MedGen C1859198, MONDO:0008961, OMIM 214400.

Submission:

Labcorp Genetics (formerly Invitae), Labcorp
Classification: Uncertain significance for Charcot-Marie-Tooth disease type 4A. Last evaluated: 2024-07-26. Review status: criteria provided, single submitter. Criteria: Invitae Variant Classification Sherloc (09022015). Collection method: clinical testing. Allele origin: germline.
Comment: This sequence change replaces glutamic acid, which is acidic and polar, with lysine, which is basic and polar, at codon 98 of the GDAP1 protein (p.Glu98Lys). This variant is not present in population databases (gnomAD no frequency). This variant has not been reported in the literature in individuals affected with GDAP1-related conditions. An algorithm developed to predict the effect of missense changes on protein structure and function (PolyPhen-2) suggests that this variant is likely to be disruptive. Algorithms developed to predict the effect of sequence changes on RNA splicing suggest that this variant may disrupt the consensus splice site. In summary, the available evidence is currently insufficient to determine the role of this variant in disease. Therefore, it has been classified as a Variant of Uncertain Significance.